The following is an entry in ClinVar:

ClinVar aggregate classification (germline): Uncertain significance. Review status: criteria provided, multiple submitters, no conflicts (2 of 4 stars). 3 submissions from 3 submitters: Uncertain significance (3). Last evaluated 2026-06-22.

Conditions:
Cardiovascular phenotype. Identifiers: MedGen CN230736.
BGN-related disorder. Also called: BGN-related condition.

gnomAD v4.1: 6 of 1,211,728 alleles (0.0005%); highest among the groups gnomAD compares: Admixed American, 0.0043%; no homozygotes.

Submissions (3):

PreventionGenetics, part of Exact Sciences
Classification: Uncertain significance for BGN-related condition. Last evaluated: 2026-06-22. Review status: criteria provided, single submitter. Criteria: ACMG Guidelines, 2015. Collection method: clinical testing. Allele origin: germline.
Comment: The BGN c.108G>A variant is predicted to result in the amino acid substitution p.Met36Ile. To our knowledge, this variant has not been reported in the literature. This variant is reported in 0.0036% of alleles in individuals of Latino descent in gnomAD. At this time, the clinical significance of this variant is uncertain due to the absence of conclusive functional and genetic evidence.

Ambry Genetics
Classification: Uncertain significance for Cardiovascular phenotype. Last evaluated: 2024-09-24. Review status: criteria provided, single submitter. Criteria: Ambry Variant Classification Scheme 2023. Collection method: clinical testing. Allele origin: germline.
Comment: The p.M36I variant (also known as c.108G>A), located in coding exon 1 of the BGN gene, results from a G to A substitution at nucleotide position 108. The methionine at codon 36 is replaced by isoleucine, an amino acid with highly similar properties. Based on data from gnomAD, the A allele has an overall frequency of 0.0011% (2/183373) total alleles studied, with 1 hemizygote(s) observed. The highest observed frequency was 0.0036% (1/27423) of Latino alleles. This amino acid position is conserved. In addition, this alteration is predicted to be tolerated by in silico analysis. Based on the available evidence, the clinical significance of this variant remains unclear.

Labcorp Genetics (formerly Invitae), Labcorp
Classification: Uncertain significance. Last evaluated: 2023-09-18. Review status: criteria provided, single submitter. Criteria: Invitae Variant Classification Sherloc (09022015). Collection method: clinical testing. Allele origin: germline.
Comment: In summary, the available evidence is currently insufficient to determine the role of this variant in disease. Therefore, it has been classified as a Variant of Uncertain Significance. This sequence change replaces methionine, which is neutral and non-polar, with isoleucine, which is neutral and non-polar, at codon 36 of the BGN protein (p.Met36Ile). This variant is present in population databases (no rsID available, gnomAD 0.004%). This variant has not been reported in the literature in individuals affected with BGN-related conditions. An algorithm developed to predict the effect of missense changes on protein structure and function (PolyPhen-2) suggests that this variant is likely to be tolerated.

NM_001711.6(BGN):c.108G>A (p.Met36Ile)

Gene: BGN (biglycan; plus strand). Cytogenetic location: Xq28.
Variant type: single nucleotide variant.
Coding change: c.108G>A on transcript NM_001711.6 (MANE Select); coding-DNA position 108, G replaced by A.
Protein change: p.Met36Ile; replaces methionine 36 with isoleucine.
Molecular consequence: missense variant.
Genome position (GRCh38, 1-based): chrX:153,504,739, G>A. VCF-style: chrX-153504739-G-A. GRCh37 (hg19) VCF-style: chrX-152770197-G-A.
Other names: c.108G>A (NM_001711.4, NM_001711.5); short protein forms M36I.
Identifiers: ClinVar variation 3018514 (VCV003018514.5), dbSNP rs782535972, ClinGen allele CA415067905.